The following is an entry in ClinVar:

NM_138694.4(PKHD1):c.10046_10059del (p.Pro3349fs)

Gene: PKHD1 (PKHD1 ciliary IPT domain containing fibrocystin/polyductin; minus strand). Cytogenetic location: 6p12.3.
Variant type: Deletion.
Coding change: c.10046_10059del on transcript NM_138694.4 (MANE Select); coding-DNA positions 10046 to 10059, 14 bases deleted (CAAGAAAATATCTC).
Protein change: p.Pro3349fs; shifts the reading frame from proline 3349.
Molecular consequence: frameshift variant.
Genome position (GRCh38, 1-based): chr6:51,744,482-51,744,495, GAGATATTTTCTTG deleted on the plus strand (CAAGAAAATATCTC on the coding strand, the reverse complement: PKHD1 is on the minus strand); deleting any 14 consecutive bases within chr6:51,744,482-51,744,497 gives the same sequence; the c. name uses the placement nearest the transcript's 3' end. VCF-style (leftmost placement, unchanged base first): chr6-51744481-AGAGATATTTTCTTG-A. GRCh37 (hg19) VCF-style: chr6-51609279-AGAGATATTTTCTTG-A.
Other names: c.10046_10059del, p.Pro3349fs (NM_170724.3); short protein forms P3349fs.
Identifiers: ClinVar variation 4060242 (VCV004060242.2).

ClinVar aggregate classification (germline): Likely pathogenic (1 of 4 stars; one submission).

Conditions:
Autosomal recessive polycystic kidney disease (ARPKD). Also called: AR polycystic kidney disease. Identifiers: Orphanet 731, Orphanet 8378, MedGen C0085548, MeSH D017044, MONDO:0009889.

Submission:

Natera, Inc.
Classification: Likely pathogenic for Autosomal recessive polycystic kidney disease. Last evaluated: 2025-02-18. Review status: criteria provided, single submitter. Criteria: Natera Variant Classification Schema (03/2026). Collection method: clinical testing. Allele origin: germline.
Comment: The c.10046_10059del variant in PKHD1 is a frameshift variant predicted to shift the reading frame beginning at codon 3349 and leads to a stop codon 20 codons downstream. This variant is expected to result in nonsense mediated decay, truncation, or a dysfunctional protein product. This variant is rare in the general population with a frequency below the threshold expected for the associated phenotype(s). Given the available evidence, this variant is classified as Likely Pathogenic.